The following is an entry in ClinVar:

NM_000211.5(ITGB2):c.1570G>A (p.Val524Ile)

Gene: ITGB2 (integrin subunit beta 2; minus strand). Cytogenetic location: 21q22.3.
Variant type: single nucleotide variant.
Coding change: c.1570G>A on transcript NM_000211.5 (MANE Select); coding-DNA position 1570, G replaced by A.
Protein change: p.Val524Ile; replaces valine 524 with isoleucine.
Molecular consequence: missense variant.
Genome position (GRCh38, 1-based): chr21:44,890,065, C>T on the plus strand (G>A on the coding strand, the complement: ITGB2 is on the minus strand). VCF-style: chr21-44890065-C-T. GRCh37 (hg19) VCF-style: chr21-46309980-C-T.
Other names: c.1570G>A, p.Val524Ile (NM_001127491.3); c.1363G>A, p.Val455Ile (NM_001303238.2); c.1570G>A (NM_000211.3); short protein forms V524I, V455I.
Identifiers: ClinVar variation 530682 (VCV000530682.10), dbSNP rs201654243, ClinGen allele CA10062784.

ClinVar aggregate classification (germline): Uncertain significance. Review status: criteria provided, multiple submitters, no conflicts (2 of 4 stars). 2 submissions from 2 submitters: Uncertain significance (2). Last evaluated 2024-09-08.

Conditions:
Inborn genetic diseases. Identifiers: MedGen C0950123, MeSH D030342.
Leukocyte adhesion deficiency 1 (LAD1). Also called: LEUKOCYTE ADHESION DEFICIENCY, TYPE I; LAD 1; Lymphocyte function-associated antigen 1 immunodeficiency; LFA 1 immunodeficiency. Identifiers: Orphanet 2968, Orphanet 99842, MedGen C0398738, MONDO:0007293, OMIM 116920.

Allele frequency attached by ClinVar (database versions not stated): gnomAD exomes 0.00005; ExAC 0.00006; gnomAD 0.00008 and 0.00009; TOPMed 0.00008; ESP Exome Variant Server 0.00015.
gnomAD v4.1: 76 of 1,613,382 alleles (0.0047%); highest among the groups gnomAD compares: African/African-American, 0.0067%; no homozygotes.

Submissions (2):

Ambry Genetics
Classification: Uncertain significance for Inborn genetic diseases. Last evaluated: 2024-09-08. Review status: criteria provided, single submitter. Criteria: Ambry Variant Classification Scheme 2023. Collection method: clinical testing. Allele origin: germline.

Labcorp Genetics (formerly Invitae), Labcorp
Classification: Uncertain significance for Leukocyte adhesion deficiency 1. Last evaluated: 2022-08-31. Review status: criteria provided, single submitter. Criteria: Invitae Variant Classification Sherloc (09022015). Collection method: clinical testing. Allele origin: germline.
Comment: This sequence change replaces valine, which is neutral and non-polar, with isoleucine, which is neutral and non-polar, at codon 524 of the ITGB2 protein (p.Val524Ile). This variant is present in population databases (rs201654243, gnomAD 0.01%). This variant has not been reported in the literature in individuals affected with ITGB2-related conditions. ClinVar contains an entry for this variant (Variation ID: 530682). Algorithms developed to predict the effect of missense changes on protein structure and function output the following: SIFT: "Tolerated"; PolyPhen-2: "Benign"; Align-GVGD: "Class C0". The isoleucine amino acid residue is found in multiple mammalian species, which suggests that this missense change does not adversely affect protein function. In summary, the available evidence is currently insufficient to determine the role of this variant in disease. Therefore, it has been classified as a Variant of Uncertain Significance.